The following is an entry in ClinVar:

NC_000023.10:g.(?_32563256)_(32841967_?)del

Gene: DMD (dystrophin; minus strand). Cytogenetic location: Xp21.1.
Variant type: Deletion.
Identifiers: ClinVar variation 2424921 (VCV002424921.3).

ClinVar aggregate classification (germline): Pathogenic (1 of 4 stars; one submission).

Conditions:
Duchenne muscular dystrophy (DMD). Also called: Duchenne Muscular Dystrophy (DMD); MUSCULAR DYSTROPHY, PSEUDOHYPERTROPHIC PROGRESSIVE, DUCHENNE TYPE. Identifiers: Orphanet 98896, MedGen C0013264, MONDO:0010679, OMIM 310200.

Submission:

Labcorp Genetics (formerly Invitae), Labcorp
Classification: Pathogenic for Duchenne muscular dystrophy. Last evaluated: 2022-11-08. Review status: criteria provided, single submitter. Criteria: Invitae Variant Classification Sherloc (09022015). Collection method: clinical testing. Allele origin: germline.
Comment: For these reasons, this variant has been classified as Pathogenic. This variant has not been reported in the literature in individuals affected with DMD-related conditions. This variant is a gross deletion of the genomic region encompassing exon(s) 5-17 of the DMD gene. This deletion is out-of-frame, and is expected to create a premature termination codon and result in an absent or disrupted protein product. Loss-of-function variants in DMD are known to be pathogenic (PMID: 16770791, 25007885).

Literature cited by the submitters: PubMed 16770791; PubMed 25007885.